The following is an entry in ClinVar:

ClinVar aggregate classification (germline): Uncertain significance (1 of 4 stars; one submission).

Submission:

Ambry Genetics
Classification: Uncertain significance. Last evaluated: 2021-10-04. Review status: criteria provided, single submitter. Criteria: Ambry Variant Classification Scheme 2023. Collection method: clinical testing. Allele origin: germline.
Comment: The p.E696G variant (also known as c.2087A>G), located in coding exon 19 of the PRKDC gene, results from an A to G substitution at nucleotide position 2087. The glutamic acid at codon 696 is replaced by glycine, an amino acid with similar properties. This amino acid position is conserved. In addition, this alteration is predicted to be tolerated by in silico analysis. Since supporting evidence is limited at this time, the clinical significance of this alteration remains unclear.

NM_006904.7(PRKDC):c.2087A>G (p.Glu696Gly)

Gene: PRKDC (protein kinase, DNA-activated, catalytic subunit; minus strand). Cytogenetic location: 8q11.21.
Variant type: single nucleotide variant.
Coding change: c.2087A>G on transcript NM_006904.7 (MANE Select); coding-DNA position 2087, A replaced by G.
Protein change: p.Glu696Gly; replaces glutamic acid 696 with glycine.
Molecular consequence: missense variant.
Genome position (GRCh38, 1-based): chr8:47,929,144, T>C on the plus strand (A>G on the coding strand, the complement: PRKDC is on the minus strand). VCF-style: chr8-47929144-T-C. GRCh37 (hg19) VCF-style: chr8-48841704-T-C.
Other names: c.2087A>G, p.Glu696Gly (NM_001081640.2); short protein forms E696G.
Identifiers: ClinVar variation 1785651 (VCV001785651.2), dbSNP rs2551878484, ClinGen allele CA371163864.
Genomic context (GRCh38, chr8:47,929,144, plus strand): 5'-AAAATTACCTCTTTGCCAAATTTCACAAATAAAGCAAAGCAAGAATACTTTTCTGGGTCT[T>C]CAGGAGAGTGTTTCAGACTCTTTGGACTAACTCCCTGTCAAATAAAACAGCAAGTTAGTA-3'
Protein context (NP_008835.5, residues 686-706): VSPKSLKHSP[Glu696Gly]DPEKYSCFAL